The following is an entry in ClinVar:

NM_022817.3(PER2):c.2460G>A (p.Arg820=)

Gene: PER2 (period circadian regulator 2; minus strand). Cytogenetic location: 2q37.3.
Variant type: single nucleotide variant.
Coding change: c.2460G>A on transcript NM_022817.3 (MANE Select); coding-DNA position 2460, G replaced by A.
Protein change: p.Arg820=; no amino-acid change (arginine 820 retained).
Molecular consequence: synonymous variant.
Genome position (GRCh38, 1-based): chr2:238,253,563, C>T on the plus strand (G>A on the coding strand, the complement: PER2 is on the minus strand). VCF-style: chr2-238253563-C-T. GRCh37 (hg19) VCF-style: chr2-239162204-C-T.
Identifiers: ClinVar variation 3257675 (VCV003257675.18).
Genomic context (GRCh38, chr2:238,253,563, plus strand): 5'-GCTGGACTGGGACGTGTCTGAGGGTGACCAGGCTGTGGCGTTCAAGCCCACCAGCGGGGG[C>T]CGGGCGGACACGGGCCCCCCAGATCCGGTGCTCTCAGATGAGTCTCGAGGTTTGACCCGC-3'
Protein context (NP_073728.1, residues 810-830): STGSGGPVSA[Arg820=]PPLVGLNATA

ClinVar aggregate classification (germline): Likely benign. Review status: criteria provided, multiple submitters, no conflicts (2 of 4 stars). 2 submissions from 2 submitters: Likely benign (2). Last evaluated 2024-11-22.

gnomAD v4.1: 2,392 of 1,610,516 alleles (0.15%); highest among the groups gnomAD compares: Non-Finnish European, 0.19%; 4 homozygotes.

Submissions (2):

Blueprint Genetics
Classification: Likely benign. Last evaluated: 2024-11-22. Review status: criteria provided, single submitter. Criteria: ACMG Guidelines, 2015. Collection method: clinical testing. Allele origin: germline.

CeGaT Center for Human Genetics Tuebingen
Classification: Likely benign. Last evaluated: 2024-07-01. Review status: criteria provided, single submitter. Criteria: CeGaT Center For Human Genetics Tuebingen Variant Classification Criteria Version 2. Collection method: clinical testing. Allele origin: germline. Affected: yes. Observed: 1 variant allele.
Comment: PER2: BP4, BP7